The following is an entry in ClinVar:

ClinVar aggregate classification (germline): Benign (0 of 4 stars; one submission).

Conditions:
HIP1-related disorder. Also called: HIP1-related condition.

Allele frequency attached by ClinVar (database versions not stated): 1000 Genomes Project 0.06909; 1000 Genomes Project 30x 0.07214; TOPMed 0.11664; gnomAD 0.12763; ExAC 0.13571; ESP Exome Variant Server 0.13571; gnomAD exomes 0.15577.
gnomAD v4.1: 246,158 of 1,613,358 alleles (15%); highest among the groups gnomAD compares: Non-Finnish European, 17%; 20,435 homozygotes.

Submission:

PreventionGenetics, part of Exact Sciences
Classification: Benign for HIP1-related condition. Last evaluated: 2019-11-05. Review status: no assertion criteria provided. Collection method: clinical testing. Allele origin: germline.
Comment: This variant is classified as benign based on ACMG/AMP sequence variant interpretation guidelines (Richards et al. 2015 PMID: 25741868, with internal and published modifications).

NM_005338.7(HIP1):c.2790C>T (p.Pro930=)

Gene: HIP1 (huntingtin interacting protein 1; minus strand). Cytogenetic location: 7q11.23.
Variant type: single nucleotide variant.
Coding change: c.2790C>T on transcript NM_005338.7 (MANE Select); coding-DNA position 2790, C replaced by T.
Protein change: p.Pro930=; no amino-acid change (proline 930 retained).
Molecular consequence: synonymous variant.
Genome position (GRCh38, 1-based): chr7:75,542,951, G>A on the plus strand (C>T on the coding strand, the complement: HIP1 is on the minus strand). VCF-style: chr7-75542951-G-A. GRCh37 (hg19) VCF-style: chr7-75172270-G-A.
Other names: c.2637C>T, p.Pro879= (NM_001243198.3); c.2688C>T, p.Pro896= (NM_001382444.1); c.2703C>T, p.Pro901= (NM_001382445.1).
Identifiers: ClinVar variation 3055297 (VCV003055297.2), dbSNP rs1167794, ClinGen allele CA4301853.